The following is an entry in ClinVar:

NM_001367624.2(ZNF469):c.9058C>G (p.Pro3020Ala)

Gene: ZNF469 (zinc finger protein 469; plus strand). Cytogenetic location: 16q24.2.
Variant type: single nucleotide variant.
Coding change: c.9058C>G on transcript NM_001367624.2 (MANE Select); coding-DNA position 9058, C replaced by G.
Protein change: p.Pro3020Ala; replaces proline 3020 with alanine.
Molecular consequence: missense variant.
Genome position (GRCh38, 1-based): chr16:88,436,528, C>G. VCF-style: chr16-88436528-C-G. GRCh37 (hg19) VCF-style: chr16-88502936-C-G.
Other names: NM_001127464.1:c.8974C>G; short protein forms P3020A.
Identifiers: ClinVar variation 1313537 (VCV001313537.2), dbSNP rs1275912402, ClinGen allele CA397120466.

ClinVar aggregate classification (germline): Uncertain significance (1 of 4 stars; one submission).

gnomAD v4.1: 1 of 1,548,964 alleles (0.000065%); highest among the groups gnomAD compares: South Asian, 0.0012%; no homozygotes.

Submission:

GeneDx
Classification: Uncertain significance. Last evaluated: 2020-10-23. Review status: criteria provided, single submitter. Criteria: GeneDx Variant Classification Process June 2021. Collection method: clinical testing. Allele origin: germline. Affected: yes.
Comment: Not observed in large population cohorts (Lek et al., 2016); In silico analysis supports that this missense variant has a deleterious effect on protein structure/function; Has not been previously published as pathogenic or benign to our knowledge